The following is an entry in ClinVar:

ClinVar aggregate classification (germline): Likely benign. Review status: criteria provided, multiple submitters, no conflicts (2 of 4 stars). 3 submissions from 3 submitters: Likely benign (3). Last evaluated 2026-01-07.

Conditions:
Multiple endocrine neoplasia, type 2 (MEN2). Identifiers: Orphanet 653, MedGen C4048306, MONDO:0019003. Disease mechanism: gain of function.
Multiple endocrine neoplasia type 2A. Also called: MULTIPLE ENDOCRINE NEOPLASIA, TYPE IIA; PTC SYNDROME; SIPPLE SYNDROME; MEN 2A; MEN-2A syndrome; Pheochromocytoma and amyloid producing medullary thyroid carcinoma. Identifiers: Orphanet 247698, Orphanet 653, MedGen C0025268, MeSH D018813, MONDO:0008234, OMIM 171400.

Allele frequency attached by ClinVar (database versions not stated): ExAC 0.00002; gnomAD exomes 0.00002 and 0.00009; ESP Exome Variant Server 0.00008; TOPMed 0.00019; gnomAD 0.00027 and 0.00030.
gnomAD v4.1: 72 of 1,600,496 alleles (0.0045%); highest among the groups gnomAD compares: Admixed American, 0.1%; 1 homozygote.

Submissions (3):

Labcorp Genetics (formerly Invitae), Labcorp
Classification: Likely benign for Multiple endocrine neoplasia, type 2. Last evaluated: 2026-01-07. Review status: criteria provided, single submitter. Criteria: Invitae Variant Classification Sherloc (09022015). Collection method: clinical testing. Allele origin: germline.

Myriad Genetics, Inc.
Classification: Likely benign for Multiple endocrine neoplasia type 2A. Last evaluated: 2025-02-26. Review status: criteria provided, single submitter. Criteria: Myriad Autosomal Dominant, Autosomal Recessive and X-Linked Classification Criteria (2023). Collection method: clinical testing. Allele origin: unknown.
Comment: This variant is considered likely benign. This variant is intronic and is not expected to impact mRNA splicing.

All of Us Research Program, National Institutes of Health
Classification: Likely benign for Multiple endocrine neoplasia, type 2. Last evaluated: 2023-11-30. Review status: criteria provided, single submitter. Criteria: ACMG Guidelines, 2015. Collection method: clinical testing. Allele origin: germline. Inheritance: Autosomal dominant inheritance. Observed: 3 variant alleles, 3 heterozygotes.
Comment: This study involves interpretation of variants in research participants for the purpose of population health screening. Participant phenotype was not available at the time of variant classification. Additional details can be found in publication PMID: 35346344, PMCID: PMC8962531

NM_020975.6(RET):c.1760-13C>T

Gene: RET (ret proto-oncogene; plus strand). Cytogenetic location: 10q11.21.
Variant type: single nucleotide variant.
Coding change: c.1760-13C>T on transcript NM_020975.6 (MANE Select); 13 bases into the intron before coding-DNA position 1760, C replaced by T.
Molecular consequence: intron variant.
Genome position (GRCh38, 1-based): chr10:43,113,543, C>T. VCF-style: chr10-43113543-C-T. GRCh37 (hg19) VCF-style: chr10-43608991-C-T.
Other names: c.1760-13C>T (NM_001406759.1, NM_001406760.1, NM_001406765.1 and 4 more transcripts); c.1364-13C>T (NM_001406772.1, NM_001406769.1); c.1322-13C>T (NM_001406773.1, NM_001406771.1); c.863-13C>T (NM_001406782.1, NM_001406780.1, NM_001406779.1 and 2 more transcripts); c.862+580C>T (NM_001406785.1); c.1631-13C>T (NM_001406764.1, NM_001406762.1, NM_001406761.1 and 1 more transcripts); c.1235-13C>T (NM_001406774.1); c.734-13C>T (NM_001406786.1, NM_001406783.1); and 7 more.
Identifiers: ClinVar variation 1596985 (VCV001596985.11), dbSNP rs376709486, ClinGen allele CA035462.